The following is an entry in ClinVar:

ClinVar aggregate classification (germline): Likely benign. Review status: criteria provided, multiple submitters, no conflicts (2 of 4 stars). 5 submissions from 5 submitters: Likely benign (5). Last evaluated 2025-11-01.

Conditions:
Tobacco addiction, susceptibility to. Also called: CIGARETTE HABITUATION, SUSCEPTIBILITY TO. Identifiers: MedGen C1861063, MONDO:0100460, OMIM 188890.
Classic dopamine transporter deficiency syndrome (PKDYS1). Also called: DOPAMINE TRANSPORTER DEFICIENCY SYNDROME; Parkinsonism-dystonia, infantile, 1. Identifiers: Orphanet 238455, MedGen C5700336, MONDO:0054835, OMIM 613135.
Parkinsonism-dystonia, infantile. Identifiers: Orphanet 238455, MedGen C2751067, MONDO:0013150.

Allele frequency attached by ClinVar (database versions not stated): ESP Exome Variant Server 0.00015; 1000 Genomes Project 30x 0.00016; 1000 Genomes Project 0.00020; TOPMed 0.00021; gnomAD 0.00022; gnomAD exomes 0.00025 and 0.00031; ExAC 0.00038.
gnomAD v4.1: 392 of 1,612,492 alleles (0.024%); highest among the groups gnomAD compares: South Asian, 0.087%; no homozygotes.

Submissions (5):

CeGaT Center for Human Genetics Tuebingen
Classification: Likely benign. Last evaluated: 2025-11-01. Review status: criteria provided, single submitter. Criteria: CeGaT Center For Human Genetics Tuebingen Variant Classification Criteria Version 2. Collection method: clinical testing. Allele origin: germline. Affected: yes. Observed: 2 variant alleles.
Comment: SLC6A3: BP4, BP7

Labcorp Genetics (formerly Invitae), Labcorp
Classification: Likely benign for Parkinsonism-dystonia, infantile. Last evaluated: 2025-05-05. Review status: criteria provided, single submitter. Criteria: Invitae Variant Classification Sherloc (09022015). Collection method: clinical testing. Allele origin: germline.

Blueprint Genetics
Classification: Likely benign. Last evaluated: 2024-07-25. Review status: criteria provided, single submitter. Criteria: ACMG Guidelines, 2015. Collection method: clinical testing. Allele origin: germline.

Fulgent Genetics
Classification: Likely benign for Tobacco addiction, susceptibility to; Classic dopamine transporter deficiency syndrome. Last evaluated: 2021-10-15. Review status: criteria provided, single submitter. Criteria: ACMG Guidelines, 2015. Collection method: clinical testing. Allele origin: unknown.

Breakthrough Genomics
Classification: Likely benign. Review status: criteria provided, single submitter. Criteria: ACMG Guidelines, 2015. Collection method: not provided. Allele origin: germline. Inheritance: Autosomal recessive inheritance. Affected: yes.

NM_001044.5(SLC6A3):c.1143C>T (p.Asp381=)

Gene: SLC6A3 (solute carrier family 6 member 3). Cytogenetic location: 5p15.33.
Variant type: single nucleotide variant.
Coding change: c.1143C>T on transcript NM_001044.5 (MANE Select); coding-DNA position 1143, C replaced by T.
Protein change: p.Asp381=; no amino-acid change (aspartic acid 381 retained).
Molecular consequence: synonymous variant.
Genome position (GRCh38, 1-based): chr5:1,414,704, G>A on the plus strand (C>T on the coding strand, the complement: SLC6A3 is on the minus strand). VCF-style: chr5-1414704-G-A. GRCh37 (hg19) VCF-style: chr5-1414819-G-A.
Identifiers: ClinVar variation 696815 (VCV000696815.37), dbSNP rs8179027, ClinGen allele CA3186147.